The following is an entry in ClinVar:

ClinVar aggregate classification (germline): Benign/Likely benign. Review status: criteria provided, multiple submitters, no conflicts (2 of 4 stars). 2 submissions from 2 submitters: Benign (1); Likely benign (1). Last evaluated 2026-01-25.

Allele frequency attached by ClinVar (database versions not stated): gnomAD exomes 0.00004 and 0.00024; gnomAD 0.00009 and 0.00011; TOPMed 0.00012; ExAC 0.00022; 1000 Genomes Project 0.00040; 1000 Genomes Project 30x 0.00062.
gnomAD v4.1: 83 of 1,614,118 alleles (0.0051%); highest among the groups gnomAD compares: East Asian, 0.17%; no homozygotes.

Submissions (2):

Labcorp Genetics (formerly Invitae), Labcorp
Classification: Likely benign. Last evaluated: 2026-01-25. Review status: criteria provided, single submitter. Criteria: Invitae Variant Classification Sherloc (09022015). Collection method: clinical testing. Allele origin: germline.

Women's Health and Genetics/Laboratory Corporation of America, LabCorp
Classification: Benign. Last evaluated: 2020-06-22. Review status: criteria provided, single submitter. Criteria: LabCorp Variant Classification Summary - May 2015. Collection method: clinical testing. Allele origin: germline.
Comment: Variant summary: A2ML1 c.4261C>T (p.Gln1421X) results in a premature termination codon, predicted to cause a truncation of the encoded protein or absence of the protein due to nonsense mediated decay, which is not commonly known mechanisms for NSRD. The variant allele was found at a frequency of 0.00024 in 249460 control chromosomes. The observed variant frequency is approximately 60 fold of the estimated maximal expected allele frequency for a pathogenic variant in A2ML1 causing Noonan Syndrome And Related Conditions phenotype (4e-06), strongly suggesting that the variant is benign. c.4261C>T has been reported in the literature in individuals affected with RASopathies (Leung_2018). This report does not provide unequivocal conclusions about association of the variant with Noonan Syndrome And Related Conditions. At least one publication reports experimental evidence evaluating an impact on protein function. These results showed no damaging effect of this variant (Leung_2018). One clinical diagnostic laboratory has submitted clinical-significance assessments for this variant to ClinVar after 2014 without evidence for independent evaluation and classified the variant as likely benign. Based on the evidence outlined above, the variant was classified as benign.

Literature cited by the submitters: PubMed 29402968 (cited by Women's Health and Genetics/Laboratory Corporation of America, LabCorp).

NM_144670.6(A2ML1):c.4261C>T (p.Gln1421Ter)

Gene: A2ML1 (alpha-2-macroglobulin like 1; plus strand). Cytogenetic location: 12p13.31.
Variant type: single nucleotide variant.
Coding change: c.4261C>T on transcript NM_144670.6 (MANE Select); coding-DNA position 4261, C replaced by T.
Protein change: p.Gln1421Ter; replaces glutamine 1421 with a stop codon.
Molecular consequence: nonsense.
Genome position (GRCh38, 1-based): chr12:8,874,464, C>T. VCF-style: chr12-8874464-C-T. GRCh37 (hg19) VCF-style: chr12-9027060-C-T.
Other names: c.2788C>T, p.Gln930Ter (NM_001282424.3); short protein forms Q1421*, Q930*.
Identifiers: ClinVar variation 697170 (VCV000697170.10), dbSNP rs182070540, ClinGen allele CA6436655.